The following is an entry in ClinVar:

NM_003640.5(ELP1):c.1469_1470del (p.Gln489_Phe490insTer)

Gene: ELP1 (elongator acetyltransferase complex subunit 1; minus strand). Cytogenetic location: 9q31.3.
Variant type: Deletion.
Coding change: c.1469_1470del on transcript NM_003640.5 (MANE Select); coding-DNA positions 1469 to 1470, 2 bases deleted (TT; older notation c.1469_1470delTT).
Protein change: p.Gln489_Phe490insTer.
Molecular consequence: nonsense.
Genome position (GRCh38, 1-based): chr9:108,906,476-108,906,477, AA deleted on the plus strand (TT on the coding strand, the reverse complement: ELP1 is on the minus strand); deleting any 2 consecutive bases within chr9:108,906,476-108,906,478 gives the same sequence; the c. name uses the placement nearest the transcript's 3' end. VCF-style (leftmost placement, unchanged base first): chr9-108906475-CAA-C. GRCh37 (hg19) VCF-style: chr9-111668755-CAA-C.
Other names: c.1469_1470del (LRG_251t1); c.1127_1128del, p.Gln375_Phe376insTer (NM_001318360.2); c.422_423del, p.Gln140_Phe141insTer (NM_001330749.2); c.1469_1470delTT (NM_003640.4).
Identifiers: ClinVar variation 552191 (VCV000552191.3), dbSNP rs1554698037, ClinGen allele CA658821150.

ClinVar aggregate classification (germline): Likely pathogenic. Review status: criteria provided, single submitter (1 of 4 stars). 2 submissions from 2 submitters: Likely pathogenic (1). 1 of the submissions does not count toward it. Last evaluated 2024-03-22.

Conditions:
Familial dysautonomia. Also called: FD; HSAN III. Identifiers: Orphanet 1764, MedGen C0013364, MONDO:0009131, OMIM 223900. Disease mechanism: loss of function.

Submissions (2):

Natera, Inc.
Classification: Likely pathogenic for Familial dysautonomia. Last evaluated: 2024-03-22. Review status: criteria provided, single submitter. Criteria: Natera Variant Classification Schema (03/2026). Collection method: clinical testing. Allele origin: germline.
Comment: The c.1469_1470delTT variant in ELP1 is a frameshift variant predicted to shift the reading frame and introduce a stop codon. This variant is expected to result in nonsense mediated decay, truncation, or a dysfunctional protein product. This variant is rare in the general population with a frequency below the threshold expected for the associated phenotype(s). Given the available evidence, this variant is classified as Likely Pathogenic.

Counsyl
Classification: Likely pathogenic for Familial dysautonomia. Last evaluated: 2017-06-01. Review status: no assertion criteria provided. Collection method: clinical testing. Allele origin: unknown. Not counted in ClinVar's aggregate classification.